The following is an entry in ClinVar:

ClinVar aggregate classification (germline): Uncertain significance (1 of 4 stars; one submission).

Conditions:
Multiple endocrine neoplasia, type 1 (MEN1). Also called: MEN I; WERMER SYNDROME; Endocrine adenomatosis multiple; MEN 1; MEA I. Identifiers: Orphanet 652, MedGen C0025267, MeSH D018761, MONDO:0007540, OMIM 131100.

Submission:

Labcorp Genetics (formerly Invitae), Labcorp
Classification: Uncertain significance for Multiple endocrine neoplasia, type 1. Last evaluated: 2023-12-02. Review status: criteria provided, single submitter. Criteria: Invitae Variant Classification Sherloc (09022015). Collection method: clinical testing. Allele origin: germline.
Comment: This sequence change replaces serine, which is neutral and polar, with threonine, which is neutral and polar, at codon 399 of the MEN1 protein (p.Ser399Thr). This variant is not present in population databases (gnomAD no frequency). This variant has not been reported in the literature in individuals affected with MEN1-related conditions. Advanced modeling of protein sequence and biophysical properties (such as structural, functional, and spatial information, amino acid conservation, physicochemical variation, residue mobility, and thermodynamic stability) has been performed at Invitae for this missense variant, however the output from this modeling did not meet the statistical confidence thresholds required to predict the impact of this variant on MEN1 protein function. In summary, the available evidence is currently insufficient to determine the role of this variant in disease. Therefore, it has been classified as a Variant of Uncertain Significance.

NM_001370259.2(MEN1):c.1196G>C (p.Ser399Thr)

Gene: MEN1 (menin 1; minus strand). Cytogenetic location: 11q13.1.
Variant type: single nucleotide variant.
Coding change: c.1196G>C on transcript NM_001370259.2 (MANE Select); coding-DNA position 1196, G replaced by C.
Protein change: p.Ser399Thr; replaces serine 399 with threonine.
Molecular consequence: missense variant. On other transcripts: non-coding transcript variant (4), intron variant (1).
Genome position (GRCh38, 1-based): chr11:64,805,188, C>G on the plus strand (G>C on the coding strand, the complement: MEN1 is on the minus strand). VCF-style: chr11-64805188-C-G. GRCh37 (hg19) VCF-style: chr11-64572660-C-G.
Other names: c.1337G>C, p.Ser446Thr (NM_001407150.1); c.1217G>C, p.Ser406Thr (NM_001407151.1); c.1196G>C, p.Ser399Thr (NM_130799.3, NM_001407146.1, NM_001407147.1 and 2 more transcripts); c.1211G>C, p.Ser404Thr (NM_130800.3, NM_130801.3, NM_130802.3 and 4 more transcripts); c.1091G>C, p.Ser364Thr (NM_001370263.2, NM_001407148.1, NM_001407149.1 and 1 more transcripts); c.1322G>C, p.Ser441Thr (NM_001407142.1, NM_001407143.1, NM_001407144.1 and 1 more transcripts); c.1186-372G>C (NM_001407152.1); short protein forms S404T, S399T, S441T, S406T, S446T, S364T.
Identifiers: ClinVar variation 2700185 (VCV002700185.3), dbSNP rs1334290717, ClinGen allele CA381180785.